The following is an entry in ClinVar:

ClinVar aggregate classification (germline): Uncertain significance. Review status: criteria provided, multiple submitters, no conflicts (2 of 4 stars). 2 submissions from 2 submitters: Uncertain significance (2). Last evaluated 2025-11-26.

Conditions:
Inborn genetic diseases. Identifiers: MedGen C0950123, MeSH D030342.
Spastic paraplegia. Identifiers: MedGen C0037772, HP:0001258.

Allele frequency attached by ClinVar (database versions not stated): gnomAD exomes 0.00001; TOPMed 0.00001.
gnomAD v4.1: 3 of 1,613,986 alleles (0.00019%); highest among the groups gnomAD compares: Admixed American, 0.005%; no homozygotes.

Submissions (2):

Ambry Genetics
Classification: Uncertain significance for Inborn genetic diseases. Last evaluated: 2025-11-26. Review status: criteria provided, single submitter. Criteria: Ambry Variant Classification Scheme 2023. Collection method: clinical testing. Allele origin: germline.

Labcorp Genetics (formerly Invitae), Labcorp
Classification: Uncertain significance for Spastic paraplegia. Last evaluated: 2019-10-09. Review status: criteria provided, single submitter. Criteria: Invitae Variant Classification Sherloc (09022015). Collection method: clinical testing. Allele origin: germline.
Comment: This sequence change replaces glutamine with arginine at codon 512 of the RTN2 protein (p.Gln512Arg). The glutamine residue is weakly conserved and there is a small physicochemical difference between glutamine and arginine. This variant is not present in population databases (ExAC no frequency). This variant has not been reported in the literature in individuals with RTN2-related conditions. Algorithms developed to predict the effect of missense changes on protein structure and function are either unavailable or do not agree on the potential impact of this missense change (SIFT: "Tolerated"; PolyPhen-2: "Possibly Damaging"; Align-GVGD: "Class C0"). In summary, the available evidence is currently insufficient to determine the role of this variant in disease. Therefore, it has been classified as a Variant of Uncertain Significance.

NM_005619.5(RTN2):c.1535A>G (p.Gln512Arg)

Genes: OPA3-RTN2 (OPA3-RTN2 readthrough; minus strand), RTN2 (reticulon 2; minus strand). Cytogenetic location: 19q13.32.
Variant type: single nucleotide variant.
Coding change: c.1535A>G on transcript NM_005619.5 (MANE Select); coding-DNA position 1535, A replaced by G.
Protein change: p.Gln512Arg; replaces glutamine 512 with arginine.
Molecular consequence: missense variant.
Genome position (GRCh38, 1-based): chr19:45,486,076, T>C on the plus strand (A>G on the coding strand, the complement: RTN2 is on the minus strand). VCF-style: chr19-45486076-T-C. GRCh37 (hg19) VCF-style: chr19-45989334-T-C.
Other names: c.1316A>G, p.Gln439Arg (NM_206900.3); c.515A>G, p.Gln172Arg (NM_206901.3); c.1535A>G (NM_005619.3); short protein forms Q172R, Q439R, Q512R.
Identifiers: ClinVar variation 968137 (VCV000968137.10), dbSNP rs1272372658, ClinGen allele CA406353591.